The following is an entry in ClinVar:

NM_000377.3(WAS):c.946C>A (p.Pro316Thr)

Gene: WAS (WASP actin nucleation promoting factor; plus strand). Cytogenetic location: Xp11.23.
Variant type: single nucleotide variant.
Coding change: c.946C>A on transcript NM_000377.3 (MANE Select); coding-DNA position 946, C replaced by A.
Protein change: p.Pro316Thr; replaces proline 316 with threonine.
Molecular consequence: missense variant.
Genome position (GRCh38, 1-based): chrX:48,688,674, C>A. VCF-style: chrX-48688674-C-A. GRCh37 (hg19) VCF-style: chrX-48547063-C-A.
Other names: short protein forms P316T.
Identifiers: ClinVar variation 863583 (VCV000863583.10), dbSNP rs372779500, ClinGen allele CA10404021.

ClinVar aggregate classification (germline): Uncertain significance. Review status: criteria provided, multiple submitters, no conflicts (2 of 4 stars). 2 submissions from 2 submitters: Uncertain significance (2). Last evaluated 2022-04-25.

Conditions:
Wiskott-Aldrich syndrome (WAS). Also called: WISKOTT-ALDRICH SYNDROME 1; ALDRICH SYNDROME; IMMUNODEFICIENCY 2; Wiskott-aldrich syndrome, somatic. Identifiers: Orphanet 906, MedGen C0043194, MONDO:0010518, OMIM 301000.
X-linked severe congenital neutropenia (SCNX). Identifiers: Orphanet 86788, MedGen C1845987, MONDO:0010294, OMIM 300299.
Thrombocytopenia 1. Also called: X-Linked Thrombocytopenia (XLT); THROMBOCYTOPENIA, X-LINKED, 1; X-linked thrombocytopenia with normal platelets. Identifiers: Orphanet 268322, Orphanet 852, MedGen C1839163, MONDO:0010743, OMIM 313900.

Allele frequency attached by ClinVar (database versions not stated): ESP Exome Variant Server 0.00010; TOPMed below 0.00001; gnomAD exomes 0.00001; ExAC 0.00003.
gnomAD v4.1: 8 of 1,203,083 alleles (0.00066%); highest among the groups gnomAD compares: Non-Finnish European, 0.0009%; no homozygotes.

Submissions (2):

Labcorp Genetics (formerly Invitae), Labcorp
Classification: Uncertain significance for Wiskott-Aldrich syndrome; X-linked severe congenital neutropenia; Thrombocytopenia 1. Last evaluated: 2022-04-25. Review status: criteria provided, single submitter. Criteria: Invitae Variant Classification Sherloc (09022015). Collection method: clinical testing. Allele origin: germline.
Comment: In summary, the available evidence is currently insufficient to determine the role of this variant in disease. Therefore, it has been classified as a Variant of Uncertain Significance. Algorithms developed to predict the effect of missense changes on protein structure and function are either unavailable or do not agree on the potential impact of this missense change (SIFT: "Not Available"; PolyPhen-2: "Probably Damaging"; Align-GVGD: "Not Available"). ClinVar contains an entry for this variant (Variation ID: 863583). This variant has not been reported in the literature in individuals affected with WAS-related conditions. The frequency data for this variant in the population databases is considered unreliable, as metrics indicate poor data quality at this position in the gnomAD database. This sequence change replaces proline, which is neutral and non-polar, with threonine, which is neutral and polar, at codon 316 of the WAS protein (p.Pro316Thr).

Fulgent Genetics
Classification: Uncertain significance for X-linked severe congenital neutropenia; Wiskott-Aldrich syndrome; Thrombocytopenia 1. Last evaluated: 2022-03-24. Review status: criteria provided, single submitter. Criteria: ACMG Guidelines, 2015. Collection method: clinical testing. Allele origin: unknown.